The following is an entry in ClinVar:

NM_000414.4(HSD17B4):c.1994-1G>C

Gene: HSD17B4 (hydroxysteroid 17-beta dehydrogenase 4; plus strand). Cytogenetic location: 5q23.1.
Variant type: single nucleotide variant.
Coding change: c.1994-1G>C on transcript NM_000414.4 (MANE Select); the canonical splice acceptor site of the intron before coding-DNA position 1994, G replaced by C.
Molecular consequence: splice acceptor variant.
Genome position (GRCh38, 1-based): chr5:119,536,422, G>C. VCF-style: chr5-119536422-G-C. GRCh37 (hg19) VCF-style: chr5-118872117-G-C.
Other names: c.1583-1G>C (NM_001374503.1, NM_001374502.1, NM_001374501.1); c.2069-1G>C (NM_001199291.3); c.1667-1G>C (NM_001374499.1); c.1553-1G>C (NM_001374500.1); c.1574-1G>C (NM_001292028.2); c.1922-1G>C (NM_001292027.2, NM_001374498.1); c.1985-1G>C (NM_001374497.1); c.1940-1G>C (NM_001199292.2).
Identifiers: ClinVar variation 2664882 (VCV002664882.2), dbSNP rs2531982920, ClinGen allele CA360871901.

ClinVar aggregate classification (germline): Likely pathogenic. Review status: criteria provided, multiple submitters, no conflicts (2 of 4 stars). 2 submissions from 2 submitters: Likely pathogenic (2). Last evaluated 2023-08-05.

Conditions:
Bifunctional peroxisomal enzyme deficiency (DBIF). Also called: D-bifunctional protein deficiency; DBP DEFICIENCY; PBFE DEFICIENCY. Identifiers: Orphanet 300, MedGen C0342870, MONDO:0009855, OMIM 261515. Disease mechanism: loss of function.

gnomAD v4.1: 2 of 1,611,978 alleles (0.00012%); highest among the groups gnomAD compares: Non-Finnish European, 0.00017%; no homozygotes.

Submissions (2):

Baylor Genetics
Classification: Likely pathogenic for Bifunctional peroxisomal enzyme deficiency. Last evaluated: 2023-08-05. Review status: criteria provided, single submitter. Criteria: ACMG Guidelines, 2015. Collection method: clinical testing. Allele origin: unknown.

Neuberg Centre For Genomic Medicine, NCGM
Classification: Likely pathogenic for Bifunctional peroxisomal enzyme deficiency. Last evaluated: 2023-03-01. Review status: criteria provided, single submitter. Criteria: ACMG Guidelines, 2015. Collection method: clinical testing. Allele origin: germline. Inheritance: Autosomal recessive inheritance. Affected: yes.
Comment: The invariant splice acceptor c.1994-1G>C variant in HSD17B4 gene has not been reported previously as a pathogenic variant nor as a benign variant, to our knowledge. The c.1994-1G>C variant is novel (not in any individuals) in gnomAD Exomes and 1000 Genomes. This variant has not been reported to the ClinVar database. Loss of function variants have been previously reported to be disease causing. Functional studies are required to prove pathogenicity of the variant. For these reasons, this variant has been classified as Likely Pathogenic.